The following is an entry in ClinVar:

NM_020988.3(GNAO1):c.133G>T (p.Gly45Ter)

Gene: GNAO1 (G protein subunit alpha o1; plus strand). Cytogenetic location: 16q13.
Variant type: single nucleotide variant.
Coding change: c.133G>T on transcript NM_020988.3 (MANE Select); coding-DNA position 133, G replaced by T.
Protein change: p.Gly45Ter; replaces glycine 45 with a stop codon.
Molecular consequence: nonsense.
Genome position (GRCh38, 1-based): chr16:56,192,588, G>T. VCF-style: chr16-56192588-G-T. GRCh37 (hg19) VCF-style: chr16-56226500-G-T.
Other names: c.133G>T, p.Gly45Ter (NM_138736.3); short protein forms G45*.
Identifiers: ClinVar variation 2824114 (VCV002824114.4), dbSNP rs869312939, ClinGen allele CA396128596.

ClinVar aggregate classification (germline): Pathogenic (1 of 4 stars; one submission).

Conditions:
Developmental and epileptic encephalopathy, 17 (DEE17). Also called: Early infantile epileptic encephalopathy 17. Identifiers: Orphanet 1934, MedGen C3809606, MONDO:0014199, OMIM 615473.
Neurodevelopmental disorder with involuntary movements (NEDIM). Identifiers: Orphanet 592564, MedGen C4479569, MONDO:0060491, OMIM 617493.
Early-infantile DEE. Also called: Early infantile epileptic encephalopathy with suppression bursts; Early infantile epileptic encephalopathy; Ohtahara syndrome. Identifiers: Orphanet 1934, MedGen C0393706, MONDO:0800491.

Submission:

Labcorp Genetics (formerly Invitae), Labcorp
Classification: Pathogenic for Early-infantile DEE. Last evaluated: 2022-12-25. Review status: criteria provided, single submitter. Criteria: Invitae Variant Classification Sherloc (09022015). Collection method: clinical testing. Allele origin: germline.
Comment: This sequence change creates a premature translational stop signal (p.Gly45*) in the GNAO1 gene. It is expected to result in an absent or disrupted protein product. Loss-of-function variants in GNAO1 are known to be pathogenic (PMID: 28747448). This variant is not present in population databases (gnomAD no frequency). This variant has not been reported in the literature in individuals affected with GNAO1-related conditions. For these reasons, this variant has been classified as Pathogenic.

Literature cited by the submitters: PubMed 28747448 (cited by Labcorp Genetics (formerly Invitae), Labcorp).